The following is an entry in ClinVar:

ClinVar aggregate classification (germline): Uncertain significance (0 of 4 stars; one submission).

Conditions:
TTN-related disorder. Also called: TTN-related condition; TTN-related disease; TTN-related disorders.

gnomAD v4.1: 15 of 1,613,632 alleles (0.00093%); highest among the groups gnomAD compares: African/African-American, 0.0053%; no homozygotes.

Submission:

PreventionGenetics, part of Exact Sciences
Classification: Uncertain significance for TTN-related condition. Last evaluated: 2024-09-23. Review status: no assertion criteria provided. Collection method: clinical testing. Allele origin: germline.
Comment: The TTN c.24368C>T variant is predicted to result in the amino acid substitution p.Ser8123Leu. To our knowledge, this variant has not been reported in the literature. This variant is reported in 0.0065% of alleles in individuals of African descent in gnomAD. At this time, the clinical significance of this variant is uncertain due to the absence of conclusive functional and genetic evidence.

NM_001267550.2(TTN):c.24368C>T (p.Ser8123Leu)

Gene: TTN (titin; minus strand). Cytogenetic location: 2q31.2.
Variant type: single nucleotide variant.
Coding change: c.24368C>T on transcript NM_001267550.2 (MANE Select); coding-DNA position 24368, C replaced by T.
Protein change: p.Ser8123Leu; replaces serine 8123 with leucine.
Molecular consequence: missense variant. On other transcripts: intron variant (3).
Genome position (GRCh38, 1-based): chr2:178,718,832, G>A on the plus strand (C>T on the coding strand, the complement: TTN is on the minus strand). VCF-style: chr2-178718832-G-A. GRCh37 (hg19) VCF-style: chr2-179583559-G-A.
Other names: c.23417C>T, p.Ser7806Leu (NM_001256850.1); c.20636C>T, p.Ser6879Leu (NM_133378.4); c.13282+19250C>T (NM_003319.4); c.13858+19250C>T (NM_133437.4); c.13657+19250C>T (NM_133432.3); short protein forms S6879L, S7806L, S8123L.
Identifiers: ClinVar variation 3354533 (VCV003354533.1).
Genomic context (GRCh38, chr2:178,718,832, plus strand): 5'-AATGGCTGCACCTCAAACAACTCCAGTTCTGTGACAAAATCTTCCAGAGAGATGTTGCAT[G>A]ACTCCCCAGGCACCAGTTCCCTGCTGCCTTTAAACCACTTGACCTTGAAAGGAGGGGTGC-3'
Protein context (NP_001254479.2, residues 8113-8133): KGSRELVPGE[Ser8123Leu]CNISLEDFVT